The following is an entry in ClinVar:

ClinVar aggregate classification (germline): Uncertain significance (1 of 4 stars; one submission).

Allele frequency attached by ClinVar (database versions not stated): gnomAD 0.00001; TOPMed 0.00001.
gnomAD v4.1: 7 of 1,613,828 alleles (0.00043%); highest among the groups gnomAD compares: Admixed American, 0.012%; no homozygotes.

Submission:

Labcorp Genetics (formerly Invitae), Labcorp
Classification: Uncertain significance. Last evaluated: 2022-09-21. Review status: criteria provided, single submitter. Criteria: Invitae Variant Classification Sherloc (09022015). Collection method: clinical testing. Allele origin: germline.
Comment: This sequence change replaces serine, which is neutral and polar, with cysteine, which is neutral and slightly polar, at codon 3406 of the USH2A protein (p.Ser3406Cys). This variant is present in population databases (no rsID available, gnomAD 0.01%). This variant has not been reported in the literature in individuals affected with USH2A-related conditions. ClinVar contains an entry for this variant (Variation ID: 1390555). Advanced modeling of protein sequence and biophysical properties (such as structural, functional, and spatial information, amino acid conservation, physicochemical variation, residue mobility, and thermodynamic stability) performed at Invitae indicates that this missense variant is not expected to disrupt USH2A protein function. Algorithms developed to predict the effect of sequence changes on RNA splicing suggest that this variant may create or strengthen a splice site. In summary, the available evidence is currently insufficient to determine the role of this variant in disease. Therefore, it has been classified as a Variant of Uncertain Significance.

NM_206933.4(USH2A):c.10217C>G (p.Ser3406Cys)

Gene: USH2A (usherin; minus strand). Cytogenetic location: 1q41.
Variant type: single nucleotide variant.
Coding change: c.10217C>G on transcript NM_206933.4 (MANE Select); coding-DNA position 10217, C replaced by G.
Protein change: p.Ser3406Cys; replaces serine 3406 with cysteine.
Molecular consequence: missense variant.
Genome position (GRCh38, 1-based): chr1:215,786,840, G>C on the plus strand (C>G on the coding strand, the complement: USH2A is on the minus strand). VCF-style: chr1-215786840-G-C. GRCh37 (hg19) VCF-style: chr1-215960182-G-C.
Other names: short protein forms S3406C.
Identifiers: ClinVar variation 1390555 (VCV001390555.5), dbSNP rs774237501, ClinGen allele CA344840478.